The following is an entry in ClinVar:

ClinVar aggregate classification (germline): Pathogenic (1 of 4 stars; one submission).

Allele frequency attached by ClinVar (database versions not stated): gnomAD exomes below 0.00001.
gnomAD v4.1: 1 of 1,612,502 alleles (0.000062%); highest among the groups gnomAD compares: African/African-American, 0.0013%; no homozygotes.

Submission:

Labcorp Genetics (formerly Invitae), Labcorp
Classification: Pathogenic. Last evaluated: 2023-04-23. Review status: criteria provided, single submitter. Criteria: Invitae Variant Classification Sherloc (09022015). Collection method: clinical testing. Allele origin: germline.
Comment: For these reasons, this variant has been classified as Pathogenic. This premature translational stop signal has been observed in individual(s) with deafness (PMID: 25080041). This variant is not present in population databases (gnomAD no frequency). This sequence change creates a premature translational stop signal (p.Arg825*) in the MYO6 gene. It is expected to result in an absent or disrupted protein product. Loss-of-function variants in MYO6 are known to be pathogenic (PMID: 12687499, 18348273, 23767834, 25999546, 30582396).

Literature cited by the submitters: PubMed 25080041; PubMed 12687499; PubMed 18348273; PubMed 23767834; PubMed 25999546; PubMed 30582396.

NM_004999.4(MYO6):c.2473C>T (p.Arg825Ter)

Gene: MYO6 (myosin VI; plus strand). Cytogenetic location: 6q14.1.
Variant type: single nucleotide variant.
Coding change: c.2473C>T on transcript NM_004999.4 (MANE Select); coding-DNA position 2473, C replaced by T.
Protein change: p.Arg825Ter; replaces arginine 825 with a stop codon.
Molecular consequence: nonsense. On other transcripts: non-coding transcript variant (1).
Genome position (GRCh38, 1-based): chr6:75,886,060, C>T. VCF-style: chr6-75886060-C-T. GRCh37 (hg19) VCF-style: chr6-76595777-C-T.
Other names: c.2473C>T, p.Arg825Ter (NM_001300899.2, NM_001368136.1, NM_001368137.1 and 2 more transcripts); c.2458C>T, p.Arg820Ter (NM_001368138.1); short protein forms R820*, R825*.
Identifiers: ClinVar variation 2734913 (VCV002734913.3), dbSNP rs2535544504, ClinGen allele CA364774877.
Genomic context (GRCh38, chr6:75,886,060, plus strand): 5'-ATAGTGAAAAACAAAATAAAATATCGAGCTGAAGCCTGCATTAAAATGCAAAAAACTATT[C>T]GAATGTGGCTTTGCAAGAGGAGACACAAACCTCGGTAAGATGAATAGTTCCTAAAAAGAA-3'